The following is an entry in ClinVar:

NM_001378778.1(MPDZ):c.1919A>G (p.Gln640Arg)

Gene: MPDZ (multiple PDZ domain crumbs cell polarity complex component; minus strand). Cytogenetic location: 9p23.
Variant type: single nucleotide variant.
Coding change: c.1919A>G on transcript NM_001378778.1 (MANE Select); coding-DNA position 1919, A replaced by G.
Protein change: p.Gln640Arg; replaces glutamine 640 with arginine.
Molecular consequence: missense variant.
Genome position (GRCh38, 1-based): chr9:13,192,180, T>C on the plus strand (A>G on the coding strand, the complement: MPDZ is on the minus strand). VCF-style: chr9-13192180-T-C. GRCh37 (hg19) VCF-style: chr9-13192179-T-C.
Other names: c.1919A>G, p.Gln640Arg (NM_001261406.2, NM_001261407.2, NM_001330637.2 and 14 more transcripts); short protein forms Q640R.
Identifiers: ClinVar variation 2481711 (VCV002481711.3), dbSNP rs375573563, ClinGen allele CA4987632.

ClinVar aggregate classification (germline): Uncertain significance. Review status: criteria provided, multiple submitters, no conflicts (2 of 4 stars). 2 submissions from 2 submitters: Uncertain significance (2). Last evaluated 2025-05-27.

Conditions:
Inborn genetic diseases. Identifiers: MedGen C0950123, MeSH D030342.

Allele frequency attached by ClinVar (database versions not stated): TOPMed 0.00001; ExAC 0.00001.
gnomAD v4.1: 2 of 1,610,976 alleles (0.00012%); highest among the groups gnomAD compares: East Asian, 0.0022%; no homozygotes.

Submissions (2):

Labcorp Genetics (formerly Invitae), Labcorp
Classification: Uncertain significance. Last evaluated: 2025-05-27. Review status: criteria provided, single submitter. Criteria: Invitae Variant Classification Sherloc (09022015). Collection method: clinical testing. Allele origin: germline.
Comment: This sequence change replaces glutamine, which is neutral and polar, with arginine, which is basic and polar, at codon 640 of the MPDZ protein (p.Gln640Arg). This variant is present in population databases (rs375573563, gnomAD 0.006%). This variant has not been reported in the literature in individuals affected with MPDZ-related conditions. ClinVar contains an entry for this variant (Variation ID: 2481711). An algorithm developed to predict the effect of missense changes on protein structure and function outputs the following: PolyPhen-2: "Benign". The arginine amino acid residue is found in multiple mammalian species, which suggests that this missense change does not adversely affect protein function. In summary, the available evidence is currently insufficient to determine the role of this variant in disease. Therefore, it has been classified as a Variant of Uncertain Significance.

Ambry Genetics
Classification: Uncertain significance for Inborn genetic diseases. Last evaluated: 2023-02-07. Review status: criteria provided, single submitter. Criteria: Ambry Variant Classification Scheme 2023. Collection method: clinical testing. Allele origin: germline.